The following is an entry in ClinVar:

ClinVar aggregate classification (germline): Pathogenic. Review status: criteria provided, single submitter (1 of 4 stars). 2 submissions from 1 submitter: Pathogenic (2). Last evaluated 2026-04-01.

Conditions:
Primary ciliary dyskinesia 32. Also called: CILIARY DYSKINESIA, PRIMARY, 32, WITHOUT SITUS INVERSUS. Identifiers: Orphanet 244, MedGen C4225311, MONDO:0014657, OMIM 616481.
Primary ciliary dyskinesia. Also called: Ciliary dyskinesia. Identifiers: Orphanet 244, MedGen C0008780, MONDO:0016575, HP:0012265.

Submissions (2):

Department of Human Genetics, Hannover Medical School
Classification: Pathogenic for Primary Ciliary Dyskinesia. Last evaluated: 2026-04-01. Review status: criteria provided, single submitter. Criteria: ACMG Guidelines, 2015. Collection method: research. Allele origin: germline. Affected: yes.
Comment: Classification performed by HerediClassify using the following criteria:['PM2_supporting: Variant occures does not occur as homozygous in gnomAD.', 'PVS1_protein_very_strong: Transcript ENST00000367069 is predicted to undergo NMD. ', "PP4_moderate: The PICADAR socre of 7.0 exceeds threshold of 6 achieving 'moderate' evidence strength."]

Department of Human Genetics, Hannover Medical School
Classification: Pathogenic for Primary ciliary dyskinesia 32. Last evaluated: 2024-07-18. Review status: criteria provided, single submitter. Criteria: ACMG Guidelines, 2015. Collection method: clinical testing. Allele origin: germline. Inheritance: Autosomal recessive inheritance. Affected: yes.

NM_031924.8(RSPH3):c.454dup (p.Thr152fs)

Gene: RSPH3 (radial spoke head 3; minus strand). Cytogenetic location: 6q25.3.
Variant type: Duplication.
Coding change: c.454dup on transcript NM_031924.8 (MANE Select); coding-DNA position 454, one base duplicated (A; older notation c.454dupA).
Protein change: p.Thr152fs; shifts the reading frame from threonine 152.
Molecular consequence: frameshift variant. On other transcripts: non-coding transcript variant (1), intron variant (1).
Genome position (GRCh38, 1-based): chr6:158,983,700, T duplicated on the plus strand (A on the coding strand, the reverse complement: RSPH3 is on the minus strand); the first of 4 consecutive T bases (chr6:158,983,700-158,983,703); duplicating any one gives the same sequence. VCF-style (leftmost placement, unchanged base first): chr6-158983699-G-GT. GRCh37 (hg19) VCF-style: chr6-159404731-G-GT.
Other names: c.631-1012dup (NM_001346418.1); short protein forms T152fs.
Identifiers: ClinVar variation 3253653 (VCV003253653.2), dbSNP rs2484884689.